The following is an entry in ClinVar:

ClinVar aggregate classification (germline): Pathogenic/Likely pathogenic. Review status: criteria provided, multiple submitters, no conflicts (2 of 4 stars). 9 submissions from 8 submitters: Pathogenic (6); Likely pathogenic (1). 2 of the submissions do not count toward it. Last evaluated 2026-08-06.

Conditions:
Proteosome-associated autoinflammatory syndrome. Also called: Proteasome-associated autoinflammatory syndrome. Identifiers: Orphanet 324977, MedGen C1850568, MONDO:0009726.
PSMB8-related disorder. Also called: PSMB8-related condition.
PROTEASOME-ASSOCIATED AUTOINFLAMMATORY SYNDROME 1, DIGENIC. Identifiers: MedGen C4749059, OMIM 256040.
Proteasome-associated autoinflammatory syndrome 1 (PRAAS1). Also called: JOINT CONTRACTURES, MUSCULAR ATROPHY, MICROCYTIC ANEMIA, AND PANNICULITIS-INDUCED LIPODYSTROPHY; JMP SYNDROME; AUTOINFLAMMATION, LIPODYSTROPHY, AND DERMATOSIS SYNDROME; NAKAJO-NISHIMURA SYNDROME; CHRONIC ATYPICAL NEUTROPHILIC DERMATOSIS WITH LIPODYSTROPHY AND ELEVATED TEMPERATURE SYNDROME; Nakajo syndrome. Identifiers: Orphanet 2615, Orphanet 324977, Orphanet 324999, Orphanet 325004, MedGen C4746851, MONDO:0054698, OMIM 256040.

Allele frequency attached by ClinVar (database versions not stated): gnomAD exomes 0.00002 and 0.00003; TOPMed 0.00003; ExAC 0.00004; gnomAD 0.00005 and 0.00006.
gnomAD v4.1: 40 of 1,612,990 alleles (0.0025%); highest among the groups gnomAD compares: Admixed American, 0.0083%; no homozygotes.

Submissions (9):

OLLIN Analises Genomicas, OLLIN
Classification: Likely pathogenic for Proteasome-associated autoinflammatory syndrome 1. Last evaluated: 2026-08-06. Review status: criteria provided, single submitter. Criteria: ACMG Guidelines 2015 PMID 25741868. Collection method: clinical testing. Allele origin: germline.
Comment: This missense variant, located in exon 2 (of 6), has been reported in ClinVar (accession VCV000659832.12) and in gnomAD with an allele frequency of 0.0025%. However, to our knowledge, it has not been reported in the scientific literature. In silico analysis predicts that this variant has a deleterious effect. According to the currently available evidence, this variant has been classified as likely pathogenic (PM2_P, PM3_S, PP1, PP3_M).

PreventionGenetics, part of Exact Sciences
Classification: Pathogenic for PSMB8-related condition. Last evaluated: 2025-09-05. Review status: criteria provided, single submitter. Criteria: ACMG Guidelines, 2015. Collection method: clinical testing. Allele origin: germline.
Comment: The PSMB8 c.224C>T variant is predicted to result in the amino acid substitution p.Thr75Met. This variant has been reported in the homozygous and compound heterozygous state in individuals with autosomal recessive proteasome-associated autoinflammatory syndrome (PRAAS; see, for example: Agarwal et al. 2010, PubMed ID: 21129723; Brehm et al. 2015, PubMed ID: 26524591; Contreras-Cubas et al. 2017, PubMed ID: 28895430; Yu et al. 2022, PubMed ID: 3566092) and was noted to segregate with the disorder (Agarwal et al. 2010, PubMed ID: 21129723). Functional studies indicate that this variant impairs protein function (Agarwal et al. 2010, PubMed ID: 21129723; Brehm et al. 2015, PubMed ID: 26524591; Papendorf et al. 2023, PubMed ID: 37600812). Digenic inheritance in combination with PSMA3, PSMA5, or PSMC5 variants in individuals with PRAAS has also been reported (Brehm et al. 2015, PubMed ID: 26524591; Supplemental Information; Papendorf et al. 2023, PubMed ID: 37600812). This variant is present in 0.0058% of alleles in individuals of Latino descent in gnomAD and is consistently classified as pathogenic in ClinVar (Variation ID: 659832). This variant is interpreted as pathogenic.

Labcorp Genetics (formerly Invitae), Labcorp
Classification: Pathogenic for Proteosome-associated autoinflammatory syndrome. Last evaluated: 2025-02-25. Review status: criteria provided, single submitter. Criteria: Invitae Variant Classification Sherloc (09022015). Collection method: clinical testing. Allele origin: germline.
Comment: This sequence change replaces threonine, which is neutral and polar, with methionine, which is neutral and non-polar, at codon 75 of the PSMB8 protein (p.Thr75Met). This variant is present in population databases (rs748082671, gnomAD 0.009%). This missense change has been observed in individuals with PMSB8-related conditions (PMID: 21129723, 21953331). It has also been observed to segregate with disease in related individuals. ClinVar contains an entry for this variant (Variation ID: 659832). Invitae Evidence Modeling of protein sequence and biophysical properties (such as structural, functional, and spatial information, amino acid conservation, physicochemical variation, residue mobility, and thermodynamic stability) indicates that this missense variant is expected to disrupt PSMB8 protein function with a positive predictive value of 80%. Experimental studies have shown that this missense change affects PSMB8 function (PMID: 26524591). For these reasons, this variant has been classified as Pathogenic.

Laboratorio de Genetica e Diagnostico Molecular, Hospital Israelita Albert Einstein
Classification: Pathogenic for Proteasome-associated autoinflammatory syndrome 1. Last evaluated: 2024-04-29. Review status: criteria provided, single submitter. Criteria: ACMG Guidelines, 2015. Collection method: clinical testing. Allele origin: germline. Affected: yes.
Comment: ACMG classification criteria: PS3 supporting, PM2 supporting, PM3 very strong, PP1 supporting, PP3 supporting

GeneDx
Classification: Pathogenic. Last evaluated: 2024-04-16. Review status: criteria provided, single submitter. Criteria: GeneDx Variant Classification Process June 2021. Collection method: clinical testing. Allele origin: germline. Affected: yes.
Comment: Published functional studies demonstrate a damaging effect including decreased protein expression and decreased proteasome assembly (PMID: 26524591); In silico analysis supports that this missense variant has a deleterious effect on protein structure/function; This variant is associated with the following publications: (PMID: 31874111, 21129723, 21953331, 23768303, 29115062, 31980526, 35753512, 35660921, 26524591)

Women's Health and Genetics/Laboratory Corporation of America, LabCorp
Classification: Pathogenic for Proteasome-associated autoinflammatory syndrome 1. Last evaluated: 2022-09-01. Review status: criteria provided, single submitter. Criteria: LabCorp Variant Classification Summary - May 2015. Collection method: clinical testing. Allele origin: germline.
Comment: Variant summary: PSMB8 c.224C>T (p.Thr75Met) results in a non-conservative amino acid change in the encoded protein sequence. Five of five in-silico tools predict a damaging effect of the variant on protein function. The variant allele was found at a frequency of 3.2e-05 in 246860 control chromosomes. c.224C>T has been reported in the literature as a homozygous genotype in multiple individuals with features of immune-dysregulatory disease chronic atypical neutrophilic dermatosis with lipodystrophy (example, Agarwal_2010) and elevated temperature (CANDLE), which is classified as a proteasome-associated autoinflammatory syndrome (PRAAS) (example, Liu_2012). It has also been reported in a model of digenic inheritance with double heterozygosity for this variant (in a gene encoding an inducible proteasome subunit) along with another mutation in a gene encoding a constitutive proteasome subunit (PSMA3 gene) (example, Brehm_2015) in at-least two individuals with features of PRAAS syndrome. These data indicate that the variant is very likely to be associated with disease. At least one publication reports experimental evidence evaluating an impact on protein function. The most pronounced variant effect results in significantly reduced chymotrypsin-like proteolytic activity (approximately 30% of wild-type) mediated by immunoproteasomes (example, Agarwal_2010). One clinical diagnostic laboratory has submitted clinical-significance assessments for this variant to ClinVar after 2014 and classified the variant as pathogenic citing overlapping evidence utilized in the context of this evaluation. Based on the evidence outlined above, the variant was classified as pathogenic.

Clinical Genetics Service, Universitary Hospital 12 de Octubre
Classification: Pathogenic for Proteasome-associated autoinflammatory syndrome 1. Review status: criteria provided, single submitter. Criteria: ACMG Guidelines, 2015. Collection method: clinical testing. Allele origin: germline. Affected: yes.

OMIM
Classification: Pathogenic for PROTEASOME-ASSOCIATED AUTOINFLAMMATORY SYNDROME 1. Last evaluated: 2012-03-01. Review status: no assertion criteria provided. Collection method: literature only. Allele origin: germline. Not counted in ClinVar's aggregate classification.

OMIM
Classification: Pathogenic for PROTEASOME-ASSOCIATED AUTOINFLAMMATORY SYNDROME 1, DIGENIC. Last evaluated: 2012-03-01. Review status: no assertion criteria provided. Collection method: literature only. Allele origin: germline. Not counted in ClinVar's aggregate classification.

Literature cited by the submitters: PubMed 21129723 (cited by 3 submitters); PubMed 21953331 (cited by 3 submitters); PubMed 26524591 (cited by 3 submitters); PubMed 20534754 (cited by OMIM); PubMed 20159315 (cited by OMIM).

NM_148919.4(PSMB8):c.224C>T (p.Thr75Met)

Gene: PSMB8 (proteasome 20S subunit beta 8; minus strand). Cytogenetic location: 6p21.32.
Variant type: single nucleotide variant.
Coding change: c.224C>T on transcript NM_148919.4 (MANE Select); coding-DNA position 224, C replaced by T.
Protein change: p.Thr75Met; replaces threonine 75 with methionine.
Molecular consequence: missense variant.
Genome position (GRCh38, 1-based): chr6:32,843,013, G>A on the plus strand (C>T on the coding strand, the complement: PSMB8 is on the minus strand). VCF-style: chr6-32843013-G-A. GRCh37 (hg19) VCF-style: chr6-32810790-G-A.
Other names: c.212C>T, p.Thr71Met (NM_004159.5, LRG_1328t2); c.224C>T, p.Thr75Met (LRG_1328t1); short protein forms T75M, T71M.
Identifiers: ClinVar variation 659832 (VCV000659832.14), dbSNP rs748082671, ClinGen allele CA3746458.
Genomic context (GRCh38, chr6:32,843,013, plus strand): 5'-CCAGCTGAGGCCCGAGAATCCACTGCTGCAATCACTCCATGCTGGAACTTGAAGGCGAGC[G>A]TGGTGGTGCCATGGGCCATCTCAATCTGAACGTTCCTTTCTCCGTCCCCACCCAGGGACT-3'
Protein context (NP_683720.2, residues 65-85): VQIEMAHGTT[Thr75Met]LAFKFQHGVI